The following is an entry in ClinVar:

NM_030665.4(RAI1):c.2956A>G (p.Ile986Val)

Gene: RAI1 (retinoic acid induced 1; plus strand). Cytogenetic location: 17p11.2.
Variant type: single nucleotide variant.
Coding change: c.2956A>G on transcript NM_030665.4 (MANE Select); coding-DNA position 2956, A replaced by G.
Protein change: p.Ile986Val; replaces isoleucine 986 with valine.
Molecular consequence: missense variant.
Genome position (GRCh38, 1-based): chr17:17,795,904, A>G. VCF-style: chr17-17795904-A-G. GRCh37 (hg19) VCF-style: chr17-17699218-A-G.
Other names: short protein forms I986V.
Identifiers: ClinVar variation 1994418 (VCV001994418.4), dbSNP rs2508584407, ClinGen allele CA398552506.

ClinVar aggregate classification (germline): Uncertain significance (1 of 4 stars; one submission).

Allele frequency attached by ClinVar (database versions not stated): gnomAD exomes below 0.00001.
gnomAD v4.1: 1 of 1,611,264 alleles (0.000062%); highest among the groups gnomAD compares: Middle Eastern, 0.017%; no homozygotes.

Submission:

Labcorp Genetics (formerly Invitae), Labcorp
Classification: Uncertain significance. Last evaluated: 2024-08-28. Review status: criteria provided, single submitter. Criteria: Invitae Variant Classification Sherloc (09022015). Collection method: clinical testing. Allele origin: germline.
Comment: This sequence change replaces isoleucine, which is neutral and non-polar, with valine, which is neutral and non-polar, at codon 986 of the RAI1 protein (p.Ile986Val). This variant is not present in population databases (gnomAD no frequency). This variant has not been reported in the literature in individuals affected with RAI1-related conditions. ClinVar contains an entry for this variant (Variation ID: 1994418). Invitae Evidence Modeling of protein sequence and biophysical properties (such as structural, functional, and spatial information, amino acid conservation, physicochemical variation, residue mobility, and thermodynamic stability) indicates that this missense variant is not expected to disrupt RAI1 protein function with a negative predictive value of 80%. In summary, the available evidence is currently insufficient to determine the role of this variant in disease. Therefore, it has been classified as a Variant of Uncertain Significance.